The following is an entry in ClinVar:

NM_000492.4(CFTR):c.3439G>A (p.Val1147Ile)

Genes: CFTR (CF transmembrane conductance regulator; plus strand), CFTR-AS2 (CFTR antisense RNA 2; minus strand). Cytogenetic location: 7q31.2.
Variant type: single nucleotide variant.
Coding change: c.3439G>A on transcript NM_000492.4 (MANE Select); coding-DNA position 3439, G replaced by A.
Protein change: p.Val1147Ile; replaces valine 1147 with isoleucine.
Molecular consequence: missense variant.
Genome position (GRCh38, 1-based): chr7:117,614,684, G>A. VCF-style: chr7-117614684-G-A. GRCh37 (hg19) VCF-style: chr7-117254738-G-A.
Other names: short protein forms V1147I.
Identifiers: ClinVar variation 53742 (VCV000053742.2), dbSNP rs397508562, ClinGen allele CA327185.

ClinVar aggregate classification (germline): Uncertain significance. Review status: criteria provided, single submitter (1 of 4 stars). 2 submissions from 2 submitters: Uncertain significance (1). 1 of the submissions does not count toward it. Last evaluated 2024-05-31.

Conditions:
Cystic fibrosis (CF). Also called: MUCOVISCIDOSIS. Identifiers: Orphanet 586, MedGen C0010674, MONDO:0009061, OMIM 219700. Disease mechanism: loss of function.

Submissions (2):

Women's Health and Genetics/Laboratory Corporation of America, LabCorp
Classification: Uncertain significance. Last evaluated: 2024-05-31. Review status: criteria provided, single submitter. Criteria: LabCorp Variant Classification Summary - May 2015. Collection method: clinical testing. Allele origin: germline.
Comment: Variant summary: CFTR c.3439G>A (p.Val1147Ile) results in a conservative amino acid change located in the ABC transporter type 1, transmembrane domain (IPR011527) of the encoded protein sequence. Three of five in-silico tools predict a damaging effect of the variant on protein function. The variant was absent in 251082 control chromosomes. The available data on variant occurrences in the general population are insufficient to allow any conclusion about variant significance. c.3439G>A has been reported in the literature in the heterozygous state in at least 1 individual affected with Cystic Fibrosis (example, Kilinc_2002). These report(s) do not provide unequivocal conclusions about association of the variant with Cystic Fibrosis. To our knowledge, no experimental evidence demonstrating an impact on protein function has been reported. The following publication has been ascertained in the context of this evaluation (PMID: 12439892). ClinVar contains an entry for this variant (Variation ID: 53742). Based on the evidence outlined above, the variant was classified as uncertain significance.

ClinVar Staff, National Center for Biotechnology Information (NCBI)
No classification provided. Condition: CFTR-related disorders. Review status: no classification provided. Collection method: literature only. Allele origin: germline. Affected: yes. Not counted in ClinVar's aggregate classification.

Literature cited by the submitters: PubMed 12439892 (cited by Women's Health and Genetics/Laboratory Corporation of America, LabCorp and ClinVar Staff, National Center for Biotechnology Information (NCBI)).